The following is an entry in ClinVar:

ClinVar aggregate classification (germline): Pathogenic (1 of 4 stars; one submission).

Submission:

Quest Diagnostics Nichols Institute San Juan Capistrano
Classification: Pathogenic. Last evaluated: 2022-02-14. Review status: criteria provided, single submitter. Criteria: ACMG/ClinGen CNV Guidelines, 2019. Collection method: clinical testing. Allele origin: unknown.
Comment: The copy number loss of 2p25.3 involves multiple protein-coding genes, including TPO (OMIM 606765), PXDN (OMIM 605158), and multiple exons (NM_015025.4) of the 3' portion of MYT1L (OMIM 613084). Heterozygous sequence variants and hemizygous partial or full deletions overlapping MYT1L are associated with autosomal dominant intellectual developmental disorder-39 (MRD39) (OMIM 616521), which is characterized by mild to moderate intellectual disability, speech delay, behavioral problems including autistic features, and overweight or obesity (Doco-Fenzy 2014, Windheuser 2020). In addition, biallelic sequence variants of TPO are associated with autosomal recessive thyroid dyshormonogenesis-2A (TDH2A) (OMIM 274500). Furthermore, biallelic sequence variants of PXDN are associated with autosomal recessive anterior segment dysgenesis-7 (ASGD7) (OMIM 269400). There are no similar copy number losses ofthis region in the general populations of the Database of Genomic Variants. Thus, the clinical significance of this copy number variant (CNV) is pathogenic. References Doco-Fenzy et al., Eur J Hum Genet. 2014 Apr;22(4):471-9. PMID:24129437. Windheuser et al., Am J Med Genet A. 2020 May;182(5):1021-1031. PMID:32065501

GRCh37/hg19 2p25.3(chr2:12771-1947832)x1

Genes: ACP1 (acid phosphatase 1; plus strand), ALKAL2 (ALK and LTK ligand 2; minus strand), FAM110C (family with sequence similarity 110 member C; minus strand), MYT1L (myelin transcription factor 1 like; minus strand), PXDN (peroxidasin; minus strand) and 4 more. Cytogenetic location: 2p25.3.
Variant type: copy number loss.
Change: copy number 1 (one copy instead of two) of chr2:12,771-1,947,832 (1.94 Mb, GRCh37 coordinates, 1-based), cytogenetic band 2p25.3.
Identifiers: ClinVar variation 1808728 (VCV001808728.1).